The following is an entry in ClinVar:

NM_002474.3(MYH11):c.1069_1082del (p.Gly357fs)

Gene: MYH11 (myosin heavy chain 11; minus strand). Cytogenetic location: 16p13.11.
Variant type: Deletion.
Coding change: c.1069_1082del on transcript NM_002474.3 (MANE Select); coding-DNA positions 1069 to 1082, 14 bases deleted (GGAAATATCGTCTT).
Protein change: p.Gly357fs; shifts the reading frame from glycine 357.
Molecular consequence: frameshift variant.
Genome position (GRCh38, 1-based): chr16:15,763,843-15,763,856, AAGACGATATTTCC deleted on the plus strand (GGAAATATCGTCTT on the coding strand, the reverse complement: MYH11 is on the minus strand); deleting any 14 consecutive bases within chr16:15,763,843-15,763,859 gives the same sequence; the c. name uses the placement nearest the transcript's 3' end. VCF-style (leftmost placement, unchanged base first): chr16-15763842-GAAGACGATATTTCC-G. GRCh37 (hg19) VCF-style: chr16-15857699-GAAGACGATATTTCC-G.
Other names: c.1090_1103del, p.Gly364fs (NM_001040113.2, NM_001040114.2); c.1069_1082del, p.Gly357fs (NM_022844.3); short protein forms G357fs, G364fs.
Identifiers: ClinVar variation 1452698 (VCV001452698.9), dbSNP rs1235801428, ClinGen allele CA621061004.

ClinVar aggregate classification (germline): Conflicting classifications of pathogenicity. Review status: criteria provided, conflicting classifications (1 of 4 stars). 4 submissions from 4 submitters: Pathogenic (1); Likely pathogenic (2); Uncertain significance (1). Last evaluated 2023-01-11.

Conditions:
Familial thoracic aortic aneurysm and aortic dissection (TAAD). Also called: Thoracic aortic aneurysms and dissections. Identifiers: Orphanet 91387, MedGen C4707243, MONDO:0019625.
Aortic aneurysm, familial thoracic 4 (AAT4). Also called: AORTIC ANEURYSM/AORTIC DISSECTION AND PATENT DUCTUS ARTERIOSUS. Identifiers: MedGen C1851504, MONDO:0007568, OMIM 132900.

Submissions (4):

Greenwood Genetic Center Diagnostic Laboratories, Greenwood Genetic Center
Classification: Likely pathogenic for Aortic aneurysm, familial thoracic 4. Last evaluated: 2023-01-11. Review status: criteria provided, single submitter. Criteria: ACMG Guidelines, 2015. Collection method: clinical testing. Allele origin: germline.
Comment: PVS1 PM2

Labcorp Genetics (formerly Invitae), Labcorp
Classification: Pathogenic for Aortic aneurysm, familial thoracic 4. Last evaluated: 2021-11-01. Review status: criteria provided, single submitter. Criteria: Invitae Variant Classification Sherloc (09022015). Collection method: clinical testing. Allele origin: germline.
Comment: For these reasons, this variant has been classified as Pathogenic. This variant has not been reported in the literature in individuals affected with MYH11-related conditions. This sequence change creates a premature translational stop signal (p.Gly364Glnfs*14) in the MYH11 gene. It is expected to result in an absent or disrupted protein product. Loss-of-function variants in MYH11 are known to be pathogenic (PMID: 25407000, 29575632). This variant is present in population databases (no rsID available, gnomAD 0.0009%).

AiLife Diagnostics
Classification: Likely pathogenic. Last evaluated: 2021-07-20. Review status: criteria provided, single submitter. Criteria: ACMG Guidelines, 2015. Collection method: clinical testing. Allele origin: germline. Affected: yes. Observed: 1 variant allele.

Ambry Genetics
Classification: Uncertain significance for Familial thoracic aortic aneurysm and aortic dissection. Last evaluated: 2020-07-28. Review status: criteria provided, single submitter. Criteria: Ambry Variant Classification Scheme 2023. Collection method: clinical testing. Allele origin: germline.
Comment: The c.1069_1082del14 variant, located in coding exon 9 of the MYH11 gene, results from a deletion of 14 nucleotides at nucleotide positions 1069 to 1082, causing a translational frameshift with a predicted alternate stop codon (p.G357Qfs*14). This alteration is expected to result in premature protein truncation or nonsense-mediated mRNA decay. However, loss of function of MYH11 has not been clearly established as a mechanism of disease. Since supporting evidence is limited at this time, the clinical significance of this alteration remains unclear.

Literature cited by the submitters: PubMed 25407000 (cited by Labcorp Genetics (formerly Invitae), Labcorp); PubMed 29575632 (cited by Labcorp Genetics (formerly Invitae), Labcorp).